The following is an entry in ClinVar:

NM_001370298.3(FGD4):c.2373G>A (p.Glu791=)

Gene: FGD4 (FYVE, RhoGEF and PH domain containing 4; plus strand). Cytogenetic location: 12p11.21.
Variant type: single nucleotide variant.
Coding change: c.2373G>A on transcript NM_001370298.3 (MANE Select); coding-DNA position 2373, G replaced by A.
Protein change: p.Glu791=; no amino-acid change (glutamic acid 791 retained).
Molecular consequence: synonymous variant.
Genome position (GRCh38, 1-based): chr12:32,638,714, G>A. VCF-style: chr12-32638714-G-A. GRCh37 (hg19) VCF-style: chr12-32791648-G-A.
Other names: c.2217G>A, p.Glu739= (NM_001304481.2); c.1218G>A, p.Glu406= (NM_001304483.2); c.930G>A, p.Glu310= (NM_001304484.2); c.1683G>A, p.Glu561= (NM_001330373.2, NM_001330374.2, NM_001384130.1); c.1410G>A, p.Glu470= (NM_001370297.1); c.2373G>A, p.Glu791= (NM_001384126.1); c.1962G>A, p.Glu654= (NM_001384127.1, NM_001384128.1, NM_001385118.1 and 1 more transcripts).
Identifiers: ClinVar variation 476942 (VCV000476942.14), dbSNP rs201822384, ClinGen allele CA6507054.
Genomic context (GRCh38, chr12:32,638,714, plus strand): 5'-GATTGAATCAGCAGAAGTATCTGGAAACAGTGTGGTGTGCAGCTTTCTTCAGTATATGGA[G>A]AAGTCAAAACCTTGGCAGAAAGCTTGGTGTGTGATCCCCAAGCAAGACCCTCTTGTGCTG-3'
Protein context (NP_001357227.2, residues 781-801): SVVCSFLQYM[Glu791=]KSKPWQKAWC

ClinVar aggregate classification (germline): Likely benign. Review status: criteria provided, multiple submitters, no conflicts (2 of 4 stars). 4 submissions from 4 submitters: Likely benign (4). Last evaluated 2025-12-16.

Conditions:
Inborn genetic diseases. Identifiers: MedGen C0950123, MeSH D030342.
Charcot-Marie-Tooth disease. Also called: Charcot-Marie-Tooth Neuropathy; Charcot-Marie-Tooth Hereditary Neuropathy. Identifiers: Orphanet 166, MedGen C0007959, MONDO:0015626.
Charcot-Marie-Tooth disease type 4. Also called: Charcot-Marie-Tooth, Type 4; Charcot-Marie-Tooth disease, type IV. Identifiers: Orphanet 64749, MedGen C4082197, MONDO:0018995.

Allele frequency attached by ClinVar (database versions not stated): ExAC 0.00001; gnomAD exomes 0.00002 and 0.00007; TOPMed 0.00002; gnomAD 0.00003.
gnomAD v4.1: 98 of 1,614,058 alleles (0.0061%); highest among the groups gnomAD compares: Non-Finnish European, 0.0081%; no homozygotes.

Submissions (4):

Labcorp Genetics (formerly Invitae), Labcorp
Classification: Likely benign for Charcot-Marie-Tooth disease type 4. Last evaluated: 2025-12-16. Review status: criteria provided, single submitter. Criteria: Invitae Variant Classification Sherloc (09022015). Collection method: clinical testing. Allele origin: germline.

Ambry Genetics
Classification: Likely benign for Inborn genetic diseases. Last evaluated: 2019-07-11. Review status: criteria provided, single submitter. Criteria: Ambry Variant Classification Scheme 2023. Collection method: clinical testing. Allele origin: germline.

GeneDx
Classification: Likely benign. Last evaluated: 2017-10-12. Review status: criteria provided, single submitter. Criteria: GeneDx Variant Classification (06012015). Collection method: clinical testing. Allele origin: germline. Affected: yes.
Comment: This variant is considered likely benign or benign based on one or more of the following criteria: it is a conservative change, it occurs at a poorly conserved position in the protein, it is predicted to be benign by multiple in silico algorithms, and/or has population frequency not consistent with disease.

Molecular Genetics Laboratory, London Health Sciences Centre
Classification: Likely benign for Charcot-Marie-Tooth disease. Review status: criteria provided, single submitter. Criteria: ACMG Guidelines, 2015. Collection method: clinical testing. Allele origin: germline. Affected: yes.